The following is an entry in ClinVar:

NM_020975.6(RET):c.3250A>G (p.Asn1084Asp)

Gene: RET (ret proto-oncogene; plus strand). Cytogenetic location: 10q11.21.
Variant type: single nucleotide variant.
Coding change: c.3250A>G on transcript NM_020975.6 (MANE Select); coding-DNA position 3250, A replaced by G.
Protein change: p.Asn1084Asp; replaces asparagine 1084 with aspartic acid.
Molecular consequence: missense variant. On other transcripts: 3 prime UTR variant (18), intron variant (3).
Genome position (GRCh38, 1-based): chr10:43,128,174, A>G. VCF-style: chr10-43128174-A-G. GRCh37 (hg19) VCF-style: chr10-43623622-A-G.
Other names: c.*1420A>G (NM_001355216.2, NM_001406764.1, NM_001406765.1 and 15 more transcripts); c.3250A>G, p.Asn1084Asp (NM_001406743.1); c.3190A>G, p.Asn1064Asp (NM_001406759.1, NM_001406760.1); c.3121A>G, p.Asn1041Asp (NM_001406761.1, NM_001406762.1); c.3115A>G, p.Asn1039Asp (NM_001406763.1); c.2962A>G, p.Asn988Asp (NM_001406766.1, NM_001406767.1); c.2854A>G, p.Asn952Asp (NM_001406769.1); c.2812A>G, p.Asn938Asp (NM_001406771.1); and 10 more; short protein forms N1039D, N1041D, N581D, N689D, N742D, N938D, N601D, N842D.
Identifiers: ClinVar variation 4740387 (VCV004740387.1).

ClinVar aggregate classification (germline): Uncertain significance (1 of 4 stars; one submission).

Conditions:
Multiple endocrine neoplasia, type 2 (MEN2). Identifiers: Orphanet 653, MedGen C4048306, MONDO:0019003. Disease mechanism: gain of function.

Submission:

Labcorp Genetics (formerly Invitae), Labcorp
Classification: Uncertain significance for Multiple endocrine neoplasia, type 2. Last evaluated: 2025-12-28. Review status: criteria provided, single submitter. Criteria: Invitae Variant Classification Sherloc (09022015). Collection method: clinical testing. Allele origin: germline.
Comment: This sequence change replaces asparagine, which is neutral and polar, with aspartic acid, which is acidic and polar, at codon 1084 of the RET protein (p.Asn1084Asp). This variant is not present in population databases (gnomAD no frequency). This variant has not been reported in the literature in individuals affected with RET-related conditions. An algorithm developed to predict the effect of missense changes on protein structure and function (PolyPhen-2) suggests that this variant is likely to be tolerated. In summary, the available evidence is currently insufficient to determine the role of this variant in disease. Therefore, it has been classified as a Variant of Uncertain Significance.